The following is an entry in ClinVar:

NM_001563.4(IMPG1):c.1365C>A (p.Ser455Arg)

Gene: IMPG1 (interphotoreceptor matrix proteoglycan 1; minus strand). Cytogenetic location: 6q14.1.
Variant type: single nucleotide variant.
Coding change: c.1365C>A on transcript NM_001563.4 (MANE Select); coding-DNA position 1365, C replaced by A.
Protein change: p.Ser455Arg; replaces serine 455 with arginine.
Molecular consequence: missense variant.
Genome position (GRCh38, 1-based): chr6:75,951,021, G>T on the plus strand (C>A on the coding strand, the complement: IMPG1 is on the minus strand). VCF-style: chr6-75951021-G-T. GRCh37 (hg19) VCF-style: chr6-76660738-G-T.
Other names: c.1131C>A, p.Ser377Arg (NM_001282368.2); short protein forms S377R, S455R.
Identifiers: ClinVar variation 4768592 (VCV004768592.1).

ClinVar aggregate classification (germline): Uncertain significance (1 of 4 stars; one submission).

Submission:

Labcorp Genetics (formerly Invitae), Labcorp
Classification: Uncertain significance. Last evaluated: 2025-12-03. Review status: criteria provided, single submitter. Criteria: Invitae Variant Classification Sherloc (09022015). Collection method: clinical testing. Allele origin: germline.
Comment: This sequence change replaces serine, which is neutral and polar, with arginine, which is basic and polar, at codon 455 of the IMPG1 protein (p.Ser455Arg). This variant is not present in population databases (gnomAD no frequency). This variant has not been reported in the literature in individuals affected with IMPG1-related conditions. An algorithm developed to predict the effect of missense changes on protein structure and function outputs the following: PolyPhen-2: "Benign". The arginine amino acid residue is found in multiple mammalian species, which suggests that this missense change does not adversely affect protein function. In summary, the available evidence is currently insufficient to determine the role of this variant in disease. Therefore, it has been classified as a Variant of Uncertain Significance.